The following is an entry in ClinVar:

NM_014989.7(RIMS1):c.1241C>G (p.Pro414Arg)

Gene: RIMS1 (regulating synaptic membrane exocytosis 1; plus strand). Cytogenetic location: 6q13.
Variant type: single nucleotide variant.
Coding change: c.1241C>G on transcript NM_014989.7 (MANE Select); coding-DNA position 1241, C replaced by G.
Protein change: p.Pro414Arg; replaces proline 414 with arginine.
Molecular consequence: missense variant.
Genome position (GRCh38, 1-based): chr6:72,182,712, C>G. VCF-style: chr6-72182712-C-G. GRCh37 (hg19) VCF-style: chr6-72892415-C-G.
Other names: short protein forms P414R.
Identifiers: ClinVar variation 1052959 (VCV001052959.12), dbSNP rs915042810, ClinGen allele CA141417525.

ClinVar aggregate classification (germline): Uncertain significance. Review status: criteria provided, multiple submitters, no conflicts (2 of 4 stars). 3 submissions from 3 submitters: Uncertain significance (3). Last evaluated 2026-09-01.

Allele frequency attached by ClinVar (database versions not stated): TOPMed 0.00001.
gnomAD v4.1: 13 of 1,513,994 alleles (0.00086%); highest among the groups gnomAD compares: Non-Finnish European, 0.00097%; no homozygotes.

Submissions (3):

CeGaT Center for Human Genetics Tuebingen
Classification: Uncertain significance. Last evaluated: 2026-09-01. Review status: criteria provided, single submitter. Criteria: CeGaT Center For Human Genetics Tuebingen Variant Classification Criteria Version 2. Collection method: clinical testing. Allele origin: germline. Affected: yes. Observed: 1 variant allele.

Labcorp Genetics (formerly Invitae), Labcorp
Classification: Uncertain significance. Last evaluated: 2025-02-03. Review status: criteria provided, single submitter. Criteria: Invitae Variant Classification Sherloc (09022015). Collection method: clinical testing. Allele origin: germline.
Comment: This sequence change replaces proline, which is neutral and non-polar, with arginine, which is basic and polar, at codon 414 of the RIMS1 protein (p.Pro414Arg). This variant is not present in population databases (gnomAD no frequency). This variant has not been reported in the literature in individuals affected with RIMS1-related conditions. ClinVar contains an entry for this variant (Variation ID: 1052959). An algorithm developed to predict the effect of missense changes on protein structure and function (PolyPhen-2) suggests that this variant is likely to be tolerated. In summary, the available evidence is currently insufficient to determine the role of this variant in disease. Therefore, it has been classified as a Variant of Uncertain Significance.

Blueprint Genetics
Classification: Uncertain significance. Last evaluated: 2024-03-07. Review status: criteria provided, single submitter. Criteria: ACMG Guidelines, 2015. Collection method: clinical testing. Allele origin: germline.